The following is an entry in ClinVar:

ClinVar aggregate classification (germline): Uncertain significance (1 of 4 stars; one submission).

Allele frequency attached by ClinVar (database versions not stated): ExAC 0.00001; gnomAD exomes 0.00001; gnomAD 0.00003.
gnomAD v4.1: 16 of 1,612,256 alleles (0.00099%); highest among the groups gnomAD compares: Admixed American, 0.01%; no homozygotes.

Submission:

Labcorp Genetics (formerly Invitae), Labcorp
Classification: Uncertain significance. Last evaluated: 2022-06-23. Review status: criteria provided, single submitter. Criteria: Invitae Variant Classification Sherloc (09022015). Collection method: clinical testing. Allele origin: germline.
Comment: In summary, the available evidence is currently insufficient to determine the role of this variant in disease. Therefore, it has been classified as a Variant of Uncertain Significance. This sequence change replaces arginine, which is basic and polar, with histidine, which is basic and polar, at codon 700 of the ZBTB20 protein (p.Arg700His). This variant is present in population databases (rs760379885, gnomAD 0.01%). This variant has not been reported in the literature in individuals affected with ZBTB20-related conditions. Algorithms developed to predict the effect of missense changes on protein structure and function output the following: SIFT: "Tolerated"; PolyPhen-2: "Benign"; Align-GVGD: "Class C0". The histidine amino acid residue is found in multiple mammalian species, which suggests that this missense change does not adversely affect protein function.

NM_001348800.3(ZBTB20):c.2099G>A (p.Arg700His)

Gene: ZBTB20 (zinc finger and BTB domain containing 20; minus strand). Cytogenetic location: 3q13.31.
Variant type: single nucleotide variant.
Coding change: c.2099G>A on transcript NM_001348800.3 (MANE Select); coding-DNA position 2099, G replaced by A.
Protein change: p.Arg700His; replaces arginine 700 with histidine.
Molecular consequence: missense variant. On other transcripts: non-coding transcript variant (1).
Genome position (GRCh38, 1-based): chr3:114,339,132, C>T on the plus strand (G>A on the coding strand, the complement: ZBTB20 is on the minus strand). VCF-style: chr3-114339132-C-T. GRCh37 (hg19) VCF-style: chr3-114057979-C-T.
Other names: c.2099G>A, p.Arg700His (NM_001164342.2, NM_001348803.3, NM_001393393.1 and 1 more transcripts); c.1880G>A, p.Arg627His (NM_001164343.2, NM_001164344.4, NM_001164345.4 and 9 more transcripts); short protein forms R627H, R700H.
Identifiers: ClinVar variation 2418306 (VCV002418306.5), dbSNP rs760379885, ClinGen allele CA2551213.